The following is an entry in ClinVar:

ClinVar aggregate classification (germline): Uncertain significance. Review status: criteria provided, multiple submitters, no conflicts (2 of 4 stars). 2 submissions from 2 submitters: Uncertain significance (2). Last evaluated 2025-10-07.

Conditions:
Hereditary cancer-predisposing syndrome. Also called: Hereditary neoplastic syndrome; Tumor predisposition; Neoplastic Syndromes, Hereditary; Hereditary Cancer Syndrome. Identifiers: Orphanet 140162, MedGen C0027672, MeSH D009386, MONDO:0015356.
Hereditary breast ovarian cancer syndrome. Also called: Hereditary breast and ovarian cancer syndrome; Breast and ovarian cancer; Hereditary breast and ovarian cancer; Hereditary breast and/or ovarian cancer syndrome; Hereditary breast and ovarian cancer syndrome (HBOC); BRCA1- and BRCA2-Associated Hereditary Breast and Ovarian Cancer. Identifiers: Orphanet 145, MedGen C0677776, MeSH D061325, MONDO:0003582. Disease mechanism: loss of function.

Allele frequency attached by ClinVar (database versions not stated): gnomAD 0.00001.
gnomAD v4.1: 2 of 1,613,468 alleles (0.00012%); highest among the groups gnomAD compares: African/African-American, 0.0013%; no homozygotes.

Submissions (2):

Labcorp Genetics (formerly Invitae), Labcorp
Classification: Uncertain significance for Hereditary breast ovarian cancer syndrome. Last evaluated: 2025-10-07. Review status: criteria provided, single submitter. Criteria: Invitae Variant Classification Sherloc (09022015). Collection method: clinical testing. Allele origin: germline.
Comment: This sequence change replaces proline, which is neutral and non-polar, with serine, which is neutral and polar, at codon 2381 of the BRCA2 protein (p.Pro2381Ser). This variant is present in population databases (no rsID available, gnomAD 0.01%). This variant has not been reported in the literature in individuals affected with BRCA2-related conditions. ClinVar contains an entry for this variant (Variation ID: 569643). Invitae Evidence Modeling of protein sequence and biophysical properties (such as structural, functional, and spatial information, amino acid conservation, physicochemical variation, residue mobility, and thermodynamic stability) indicates that this missense variant is not expected to disrupt BRCA2 protein function with a negative predictive value of 95%. In summary, the available evidence is currently insufficient to determine the role of this variant in disease. Therefore, it has been classified as a Variant of Uncertain Significance.

Ambry Genetics
Classification: Uncertain significance for Hereditary cancer-predisposing syndrome. Last evaluated: 2024-12-22. Review status: criteria provided, single submitter. Criteria: Ambry Variant Classification Scheme 2023. Collection method: clinical testing. Allele origin: germline.
Comment: The p.P2381S variant (also known as c.7141C>T), located in coding exon 13 of the BRCA2 gene, results from a C to T substitution at nucleotide position 7141. The proline at codon 2381 is replaced by serine, an amino acid with similar properties. This amino acid position is well conserved in available vertebrate species. In addition, the in silico prediction for this alteration is inconclusive. Since supporting evidence is limited at this time, the clinical significance of this alteration remains unclear.

NM_000059.4(BRCA2):c.7141C>T (p.Pro2381Ser)

Gene: BRCA2 (BRCA2 DNA repair associated; plus strand). Cytogenetic location: 13q13.1.
Variant type: single nucleotide variant.
Coding change: c.7141C>T on transcript NM_000059.4 (MANE Select); coding-DNA position 7141, C replaced by T.
Protein change: p.Pro2381Ser; replaces proline 2381 with serine.
Molecular consequence: missense variant.
Genome position (GRCh38, 1-based): chr13:32,354,994, C>T. VCF-style: chr13-32354994-C-T. GRCh37 (hg19) VCF-style: chr13-32929131-C-T.
Other names: short protein forms P2381S.
Identifiers: ClinVar variation 569643 (VCV000569643.17), dbSNP rs777305503, ClinGen allele CA387739015.